The following is an entry in ClinVar:

ClinVar aggregate classification (germline): Pathogenic (1 of 4 stars; one submission).

Conditions:
Cowden syndrome 7 (CWS7). Identifiers: Orphanet 201, MedGen C4225179, MONDO:0014802, OMIM 616858.
Congenital dyserythropoietic anemia, type II (CDAN2). Also called: DYSERYTHROPOIETIC ANEMIA, HEMPAS TYPE. Identifiers: Orphanet 98873, MedGen C1306589, MONDO:0009134, OMIM 224100.

Submission:

Labcorp Genetics (formerly Invitae), Labcorp
Classification: Pathogenic for Congenital dyserythropoietic anemia, type II; Cowden syndrome 7. Last evaluated: 2024-02-08. Review status: criteria provided, single submitter. Criteria: Invitae Variant Classification Sherloc (09022015). Collection method: clinical testing. Allele origin: germline.
Comment: This sequence change creates a premature translational stop signal (p.Gly443Trpfs*21) in the SEC23B gene. It is expected to result in an absent or disrupted protein product. Loss-of-function variants in SEC23B are known to be pathogenic (PMID: 19561605, 25044164). This variant is not present in population databases (gnomAD no frequency). This variant has not been reported in the literature in individuals affected with SEC23B-related conditions. For these reasons, this variant has been classified as Pathogenic.

Literature cited by the submitters: PubMed 19561605; PubMed 25044164.

NM_006363.6(SEC23B):c.1326_1327del (p.Gly443fs)

Gene: SEC23B (SEC23 homolog B, COPII component; plus strand). Cytogenetic location: 20p11.23.
Variant type: Deletion.
Coding change: c.1326_1327del on transcript NM_006363.6 (MANE Select); coding-DNA positions 1326 to 1327, 2 bases deleted (TG; older notation c.1326_1327delTG).
Protein change: p.Gly443fs; shifts the reading frame from glycine 443.
Molecular consequence: frameshift variant.
Genome position (GRCh38, 1-based): chr20:18,535,664-18,535,665, TG deleted. VCF-style (leftmost placement, unchanged base first): chr20-18535663-TTG-T. GRCh37 (hg19) VCF-style: chr20-18516307-TTG-T.
Other names: c.1326_1327del, p.Gly443fs (NM_001172745.3, NM_032985.6, NM_032986.5); c.1272_1273del, p.Gly425fs (NM_001172746.3); short protein forms G425fs, G443fs.
Identifiers: ClinVar variation 3754522 (VCV003754522.2).